The following is an entry in ClinVar:

ClinVar aggregate classification (germline): Likely benign (1 of 4 stars; one submission).

gnomAD v4.1: 5,557 of 1,614,152 alleles (0.34%); highest among the groups gnomAD compares: Non-Finnish European, 0.38%; 28 homozygotes.

Submission:

CeGaT Center for Human Genetics Tuebingen
Classification: Likely benign. Last evaluated: 2026-02-01. Review status: criteria provided, single submitter. Criteria: CeGaT Center For Human Genetics Tuebingen Variant Classification Criteria Version 2. Collection method: clinical testing. Allele origin: germline. Affected: yes. Observed: 3 variant alleles.
Comment: PARD3B: BP4, BS2

NM_001302769.2(PARD3B):c.1472C>A (p.Thr491Lys)

Gene: PARD3B (par-3 family cell polarity regulator beta; plus strand). Cytogenetic location: 2q33.3.
Variant type: single nucleotide variant.
Coding change: c.1472C>A on transcript NM_001302769.2 (MANE Select); coding-DNA position 1472, C replaced by A.
Protein change: p.Thr491Lys; replaces threonine 491 with lysine.
Molecular consequence: missense variant. On other transcripts: intron variant (1).
Genome position (GRCh38, 1-based): chr2:205,158,759, C>A. VCF-style: chr2-205158759-C-A. GRCh37 (hg19) VCF-style: chr2-206023483-C-A.
Other names: c.1472C>A, p.Thr491Lys (NM_057177.7, NM_205863.4); c.1435-13452C>A (NM_152526.6); short protein forms T491K.
Identifiers: ClinVar variation 3387885 (VCV003387885.14).